The following is an entry in ClinVar:

ClinVar aggregate classification (germline): Uncertain significance. Review status: criteria provided, multiple submitters, no conflicts (2 of 4 stars). 2 submissions from 2 submitters: Uncertain significance (2). Last evaluated 2016-11-03.

Conditions:
Premature ovarian failure 3 (POF3). Identifiers: MedGen C1837008, MONDO:0012169, OMIM 608996.
Blepharophimosis, ptosis, and epicanthus inversus syndrome. Identifiers: Orphanet 126, MedGen C0220663, MONDO:0007201, OMIM 110100.

Submissions (2):

Genomic Diagnostic Laboratory, Division of Genomic Diagnostics, Children's Hospital of Philadelphia
Classification: Uncertain significance for Blepharophimosis, ptosis, and epicanthus inversus syndrome. Last evaluated: 2016-11-03. Review status: criteria provided, single submitter. Criteria: DGD Variant Analysis Guidelines. Collection method: clinical testing. Allele origin: germline. Affected: yes. Observed: 1 variant allele.
Comment: Clinical Testing

Juno Genomics, Hangzhou Juno Genomics, Inc
Classification: Uncertain significance for Blepharophimosis, ptosis, and epicanthus inversus syndrome; Premature ovarian failure 3. Review status: criteria provided, single submitter. Criteria: ACMG Guidelines, 2015. Collection method: clinical testing. Allele origin: germline. Affected: yes.
Comment: Absent from controls (or at extremely low frequency if recessive) in Genome Aggregation Database, Exome Sequencing Project, 1000 Genomes Project, or Exome Aggregation Consortium.;Multiple lines of computational evidence support a deleterious effect on the gene or gene product (conservation, evolutionary, splicing impact, etc).

NM_023067.4(FOXL2):c.308G>A (p.Arg103His)

Gene: FOXL2 (forkhead box L2; minus strand). Cytogenetic location: 3q22.3.
Variant type: single nucleotide variant.
Coding change: c.308G>A on transcript NM_023067.4 (MANE Select); coding-DNA position 308, G replaced by A.
Protein change: p.Arg103His; replaces arginine 103 with histidine.
Molecular consequence: missense variant.
Genome position (GRCh38, 1-based): chr3:138,946,415, C>T on the plus strand (G>A on the coding strand, the complement: FOXL2 is on the minus strand). VCF-style: chr3-138946415-C-T. GRCh37 (hg19) VCF-style: chr3-138665257-C-T.
Other names: short protein forms R103H.
Identifiers: ClinVar variation 369900 (VCV000369900.3), dbSNP rs1057516152, ClinGen allele CA10654894.
Genomic context (GRCh38, chr3:138,946,415, plus strand): 5'-CGCTCGCCGCCGCCCTCGCGCGGCACCTTGATGAAGCACTCGTTGAGGCTGAGGTTGTGG[C>T]GGATGCTATTTTGCCAGCCCTTCTTATTCTTCTCGTAGAACGGGAACTTCGCGATGATGT-3'
Protein context (NP_075555.1, residues 93-113): KNKKGWQNSI[Arg103His]HNLSLNECFI